The following is an entry in ClinVar:

ClinVar aggregate classification (germline): Uncertain significance. Review status: criteria provided, multiple submitters, no conflicts (2 of 4 stars). 3 submissions from 3 submitters: Uncertain significance (2). 1 of the submissions does not count toward it. Last evaluated 2022-07-26.

Conditions:
Primary ciliary dyskinesia 3. Identifiers: Orphanet 244, MedGen C1837618, MONDO:0012085, OMIM 608644.
Primary ciliary dyskinesia. Also called: Ciliary dyskinesia. Identifiers: Orphanet 244, MedGen C0008780, MONDO:0016575, HP:0012265.

Allele frequency attached by ClinVar (database versions not stated): 1000 Genomes Project 30x 0.00016; 1000 Genomes Project 0.00020; gnomAD below 0.00001 and 0.00002; gnomAD exomes 0.00004 and 0.00007; ExAC 0.00010.
gnomAD v4.1: 55 of 1,613,150 alleles (0.0034%); highest among the groups gnomAD compares: South Asian, 0.057%; 1 homozygote.

Submissions (3):

Labcorp Genetics (formerly Invitae), Labcorp
Classification: Uncertain significance for Primary ciliary dyskinesia. Last evaluated: 2022-07-26. Review status: criteria provided, single submitter. Criteria: Invitae Variant Classification Sherloc (09022015). Collection method: clinical testing. Allele origin: germline.
Comment: This sequence change affects codon 512 of the DNAH5 mRNA. It is a 'silent' change, meaning that it does not change the encoded amino acid sequence of the DNAH5 protein. This variant also falls at the last nucleotide of exon 11, which is part of the consensus splice site for this exon. This variant is present in population databases (rs541266118, gnomAD 0.06%), including at least one homozygous and/or hemizygous individual. This variant has not been reported in the literature in individuals affected with DNAH5-related conditions. ClinVar contains an entry for this variant (Variation ID: 644170). Variants that disrupt the consensus splice site are a relatively common cause of aberrant splicing (PMID: 17576681, 9536098). Algorithms developed to predict the effect of sequence changes on RNA splicing suggest that this variant is not likely to affect RNA splicing. In summary, the available evidence is currently insufficient to determine the role of this variant in disease. Therefore, it has been classified as a Variant of Uncertain Significance.

Fulgent Genetics
Classification: Uncertain significance for Primary ciliary dyskinesia 3. Last evaluated: 2021-10-29. Review status: criteria provided, single submitter. Criteria: ACMG Guidelines, 2015. Collection method: clinical testing. Allele origin: unknown.

Natera, Inc.
Classification: Uncertain significance for Primary ciliary dyskinesia. Last evaluated: 2021-01-14. Review status: no assertion criteria provided. Collection method: clinical testing. Allele origin: germline. Not counted in ClinVar's aggregate classification.

Literature cited by the submitters: PubMed 17576681 (cited by Labcorp Genetics (formerly Invitae), Labcorp); PubMed 9536098 (cited by Labcorp Genetics (formerly Invitae), Labcorp).

NM_001369.3(DNAH5):c.1536G>A (p.Gln512=)

Gene: DNAH5 (dynein axonemal heavy chain 5; minus strand). Cytogenetic location: 5p15.2.
Variant type: single nucleotide variant.
Coding change: c.1536G>A on transcript NM_001369.3 (MANE Select); coding-DNA position 1536, G replaced by A.
Protein change: p.Gln512=; no amino-acid change (glutamine 512 retained).
Molecular consequence: synonymous variant.
Genome position (GRCh38, 1-based): chr5:13,913,743, C>T on the plus strand (G>A on the coding strand, the complement: DNAH5 is on the minus strand). VCF-style: chr5-13913743-C-T. GRCh37 (hg19) VCF-style: chr5-13913852-C-T.
Identifiers: ClinVar variation 644170 (VCV000644170.9), dbSNP rs541266118, ClinGen allele CA3204829.
Genomic context (GRCh38, chr5:13,913,743, plus strand): 5'-ATAAAATATTGAAGTTTAGTTGTGGATTATGTTATAAAATATAGCTTTAAAGTACAATAC[C>T]TGGTATTTAGTGGCCATGTCTTCCAGCCCTTCAATTGTGGAATCTTGCAGGACTGAATAC-3'
Protein context (NP_001360.1, residues 502-522): EGLEDMATKY[Gln512=]GIVATIKKKE